The following is an entry in ClinVar:

ClinVar aggregate classification (germline): Uncertain significance (1 of 4 stars; one submission).

Conditions:
Hyperinsulinism-hyperammonemia syndrome (HHF6). Identifiers: Orphanet 35878, MedGen C1847555, MONDO:0011717, OMIM 606762.

Submission:

Labcorp Genetics (formerly Invitae), Labcorp
Classification: Uncertain significance for Hyperinsulinism-hyperammonemia syndrome. Last evaluated: 2020-03-25. Review status: criteria provided, single submitter. Criteria: Invitae Variant Classification Sherloc (09022015). Collection method: clinical testing. Allele origin: germline.
Comment: This sequence change falls in intron 8 of the GLUD1 gene. It does not directly change the encoded amino acid sequence of the GLUD1 protein. This variant is present in population databases (rs753448342, ExAC 0.003%). This variant has not been reported in the literature in individuals with GLUD1-related conditions. Experimental studies and prediction algorithms are not available or were not evaluated, and the effect of this variant on mRNA splicing is currently unknown. In summary, the available evidence is currently insufficient to determine the role of this variant in disease. Therefore, it has been classified as a Variant of Uncertain Significance.

NM_005271.5(GLUD1):c.1198-11CT[2]

Gene: GLUD1 (glutamate dehydrogenase 1; minus strand). Cytogenetic location: 10q23.2.
Variant type: Microsatellite.
Coding change: c.1198-11CT[2] on transcript NM_005271.5 (MANE Select); two copies in a row of the 2-base unit CT starting at c.1198-11; the reference has three copies in a row; one copy, 2 bases deleted.
Molecular consequence: intron variant.
Genome position (GRCh38, 1-based): chr10:87,060,247-87,060,248, AG deleted on the plus strand (CT on the coding strand, the reverse complement: GLUD1 is on the minus strand); deleting any 2 consecutive bases within chr10:87,060,247-87,060,252 gives the same sequence; the position shown is the placement nearest the transcript's 3' end. VCF-style (leftmost placement, unchanged base first): chr10-87060246-AAG-A. GRCh37 (hg19) VCF-style: chr10-88820003-AAG-A.
Other names: c.697-11CT[2] (NM_001318906.2, NM_001318904.2, NM_001318905.2 and 2 more transcripts); c.799-11CT[2] (NM_001318900.1).
Identifiers: ClinVar variation 1007983 (VCV001007983.8), dbSNP rs753448342, ClinGen allele CA5587481.